The following is an entry in ClinVar:

NM_177965.4(CFAP418):c.*1458A>C

Gene: CFAP418 (cilia and flagella associated protein 418; minus strand). Cytogenetic location: 8q22.1.
Variant type: single nucleotide variant.
Coding change: c.*1458A>C on transcript NM_177965.4 (MANE Select); 1458 bases downstream of the stop codon, A replaced by C.
Molecular consequence: 3 prime UTR variant.
Genome position (GRCh38, 1-based): chr8:95,246,159, T>G on the plus strand (A>C on the coding strand, the complement: CFAP418 is on the minus strand). VCF-style: chr8-95246159-T-G. GRCh37 (hg19) VCF-style: chr8-96258387-T-G.
Other names: c.*1458A>C (NM_001363260.1).
Identifiers: ClinVar variation 363993 (VCV000363993.6), dbSNP rs10109660, ClinGen allele CA10631700.

ClinVar aggregate classification (germline): Benign. Review status: criteria provided, multiple submitters, no conflicts (2 of 4 stars). 3 submissions from 2 submitters: Benign (3). Last evaluated 2018-01-13.

Conditions:
Cone-rod dystrophy 16 (CORD16). Identifiers: MedGen C3281045, MONDO:0013786, OMIM 614500.
Retinitis pigmentosa (RP). Identifiers: Orphanet 791, MedGen C0035334, MeSH D012174, MONDO:0019200, OMIM 268000. Inheritance: Autosomal dominant, autosomal recessive and X linked inheritance.

Allele frequency attached by ClinVar (database versions not stated): gnomAD 0.14928 and 0.15349; TOPMed 0.15502; 1000 Genomes Project 0.16194; 1000 Genomes Project 30x 0.16271.

Submissions (3):

Illumina Laboratory Services, Illumina
Classification: Benign for Retinitis pigmentosa. Last evaluated: 2018-01-13. Review status: criteria provided, single submitter. Criteria: ICSL Variant Classification Criteria 13 December 2019. Collection method: clinical testing. Allele origin: germline.
Comment: This variant was observed in the ICSL laboratory as part of a predisposition screen in an ostensibly healthy population. It had not been previously curated by ICSL or reported in the Human Gene Mutation Database (HGMD: prior to June 1st, 2018), and was therefore a candidate for classification through an automated scoring system. Utilizing variant allele frequency, disease prevalence and penetrance estimates, and inheritance mode, an automated score was calculated to assess if this variant is too frequent to cause the disease. Based on the score and internal cut-off values, a variant classified as benign is not then subjected to further curation. The score for this variant resulted in a classification of benign for this disease.

Illumina Laboratory Services, Illumina
Classification: Benign for Cone-rod dystrophy 16. Last evaluated: 2018-01-13. Review status: criteria provided, single submitter. Criteria: ICSL Variant Classification Criteria 13 December 2019. Collection method: clinical testing. Allele origin: germline.
Comment: the same text as in the submission from Illumina Laboratory Services, Illumina above.

Breakthrough Genomics
Classification: Benign. Review status: criteria provided, single submitter. Criteria: ACMG Guidelines, 2015. Collection method: not provided. Allele origin: germline. Inheritance: Unknown mechanism. Affected: yes.